The following is an entry in ClinVar:

NM_016247.4(IMPG2):c.1753T>G (p.Phe585Val)

Gene: IMPG2 (interphotoreceptor matrix proteoglycan 2; minus strand). Cytogenetic location: 3q12.3.
Variant type: single nucleotide variant.
Coding change: c.1753T>G on transcript NM_016247.4 (MANE Select); coding-DNA position 1753, T replaced by G.
Protein change: p.Phe585Val; replaces phenylalanine 585 with valine.
Molecular consequence: missense variant.
Genome position (GRCh38, 1-based): chr3:101,244,578, A>C on the plus strand (T>G on the coding strand, the complement: IMPG2 is on the minus strand). VCF-style: chr3-101244578-A-C. GRCh37 (hg19) VCF-style: chr3-100963422-A-C.
Other names: short protein forms F585V.
Identifiers: ClinVar variation 1497097 (VCV001497097.8), dbSNP rs2107220732, ClinGen allele CA353860187.

ClinVar aggregate classification (germline): Uncertain significance (1 of 4 stars; one submission).

Allele frequency attached by ClinVar (database versions not stated): gnomAD exomes below 0.00001.
gnomAD v4.1: 1 of 1,594,400 alleles (0.000063%); highest among the groups gnomAD compares: Non-Finnish European, 0.000085%; no homozygotes.

Submission:

Labcorp Genetics (formerly Invitae), Labcorp
Classification: Uncertain significance. Last evaluated: 2022-06-20. Review status: criteria provided, single submitter. Criteria: Invitae Variant Classification Sherloc (09022015). Collection method: clinical testing. Allele origin: germline.
Comment: This sequence change replaces phenylalanine, which is neutral and non-polar, with valine, which is neutral and non-polar, at codon 585 of the IMPG2 protein (p.Phe585Val). This variant is not present in population databases (gnomAD no frequency). This variant has not been reported in the literature in individuals affected with IMPG2-related conditions. Algorithms developed to predict the effect of missense changes on protein structure and function (SIFT, PolyPhen-2, Align-GVGD) all suggest that this variant is likely to be tolerated. In summary, the available evidence is currently insufficient to determine the role of this variant in disease. Therefore, it has been classified as a Variant of Uncertain Significance.